The following is an entry in ClinVar:

NM_033380.3(COL4A5):c.1807G>C (p.Gly603Arg)

Gene: COL4A5 (collagen type IV alpha 5 chain; plus strand). Cytogenetic location: Xq22.3.
Variant type: single nucleotide variant.
Coding change: c.1807G>C on transcript NM_033380.3 (MANE Select); coding-DNA position 1807, G replaced by C.
Protein change: p.Gly603Arg; replaces glycine 603 with arginine.
Molecular consequence: missense variant.
Genome position (GRCh38, 1-based): chrX:108,598,729, G>C. VCF-style: chrX-108598729-G-C. GRCh37 (hg19) VCF-style: chrX-107841959-G-C.
Other names: p.Gly603Arg; c.1807G>C, p.Gly603Arg (NM_000495.5); short protein forms G603R.
Identifiers: ClinVar variation 3367289 (VCV003367289.2).

ClinVar aggregate classification (germline): Pathogenic/Likely pathogenic. Review status: criteria provided, multiple submitters, no conflicts (2 of 4 stars). 2 submissions from 2 submitters: Pathogenic (1); Likely pathogenic (1). Last evaluated 2024-04-22.

gnomAD v4.1: 1 of 1,210,602 alleles (0.000083%); no homozygotes.

Submissions (2):

GeneDx
Classification: Pathogenic. Last evaluated: 2024-04-22. Review status: criteria provided, single submitter. Criteria: GeneDx Variant Classification Process June 2021. Collection method: clinical testing. Allele origin: germline. Affected: yes.
Comment: Affects a glycine residue in a Gly-X-Y motif in the triple helical region of the COL4A5 gene, where the majority of pathogenic missense variants occur, and is predicted to disrupt normal protein folding and function (HGMD; PMID: 10752524); Not observed at significant frequency in large population cohorts (gnomAD); In silico analysis supports that this missense variant has a deleterious effect on protein structure/function; Has not been previously published as pathogenic or benign to our knowledge; This variant is associated with the following publications: (PMID: 20884774, 24077912, 10752524, 11223851)

Mayo Clinic Laboratories, Mayo Clinic
Classification: Likely pathogenic. Last evaluated: 2023-09-26. Review status: criteria provided, single submitter. Criteria: ACMG Guidelines, 2015. Collection method: clinical testing. Allele origin: germline. Observed: 1 variant allele.
Comment: PP3, PP4, PM1_strong, PM2, PS4_supporting

Literature cited by the submitters: PubMed 20884774 (cited by Mayo Clinic Laboratories, Mayo Clinic).